The following is an entry in ClinVar:

ClinVar aggregate classification (germline): Uncertain significance (1 of 4 stars; one submission).

gnomAD v4.1: 3 of 923,726 alleles (0.00032%); highest among the groups gnomAD compares: Non-Finnish European, 0.00049%; no homozygotes.

Submission:

CeGaT Center for Human Genetics Tuebingen
Classification: Uncertain significance. Last evaluated: 2025-07-01. Review status: criteria provided, single submitter. Criteria: CeGaT Center For Human Genetics Tuebingen Variant Classification Criteria Version 2. Collection method: clinical testing. Allele origin: germline. Affected: yes. Observed: 1 variant allele.
Comment: GBA1: PS4:Moderate, PM2:Supporting, PM5:Supporting

NM_000157.4(GBA1):c.1579T>A (p.Ser527Thr)

Genes: GBA1 (glucosylceramidase beta 1; minus strand), LOC106627981 (GBA recombination region; plus strand). Cytogenetic location: 1q22.
Variant type: single nucleotide variant.
Coding change: c.1579T>A on transcript NM_000157.4 (MANE Select); coding-DNA position 1579, T replaced by A.
Protein change: p.Ser527Thr; replaces serine 527 with threonine.
Molecular consequence: missense variant.
Genome position (GRCh38, 1-based): chr1:155,235,027, A>T on the plus strand (T>A on the coding strand, the complement: GBA1 is on the minus strand). VCF-style: chr1-155235027-A-T. GRCh37 (hg19) VCF-style: chr1-155204818-A-T.
Other names: c.1579T>A, p.Ser527Thr (NM_001005741.3, NM_001005742.3); c.1318T>A, p.Ser440Thr (NM_001171811.2); c.1432T>A, p.Ser478Thr (NM_001171812.2); short protein forms S440T, S478T, S527T.
Identifiers: ClinVar variation 4084879 (VCV004084879.8).